The following is an entry in ClinVar:

ClinVar aggregate classification (germline): Uncertain significance (1 of 4 stars; one submission).

Conditions:
Early Myoclonic Encephalopathy. Identifiers: MedGen C0270855.

Allele frequency attached by ClinVar (database versions not stated): gnomAD exomes 0.00001; ExAC 0.00002.
gnomAD v4.1: 7 of 1,613,660 alleles (0.00043%); highest among the groups gnomAD compares: Admixed American, 0.0067%; no homozygotes.

Submission:

Labcorp Genetics (formerly Invitae), Labcorp
Classification: Uncertain significance for Early Myoclonic Encephalopathy. Last evaluated: 2025-06-12. Review status: criteria provided, single submitter. Criteria: Invitae Variant Classification Sherloc (09022015). Collection method: clinical testing. Allele origin: germline.
Comment: This sequence change replaces serine, which is neutral and polar, with leucine, which is neutral and non-polar, at codon 465 of the JMJD1C protein (p.Ser465Leu). This variant is present in population databases (rs754328604, gnomAD 0.01%). This variant has not been reported in the literature in individuals affected with JMJD1C-related conditions. ClinVar contains an entry for this variant (Variation ID: 2044725). Invitae Evidence Modeling of protein sequence and biophysical properties (such as structural, functional, and spatial information, amino acid conservation, physicochemical variation, residue mobility, and thermodynamic stability) indicates that this missense variant is not expected to disrupt JMJD1C protein function with a negative predictive value of 80%. In summary, the available evidence is currently insufficient to determine the role of this variant in disease. Therefore, it has been classified as a Variant of Uncertain Significance.

NM_032776.3(JMJD1C):c.1394C>T (p.Ser465Leu)

Gene: JMJD1C (jumonji domain containing 1C; minus strand). Cytogenetic location: 10q21.3.
Variant type: single nucleotide variant.
Coding change: c.1394C>T on transcript NM_032776.3 (MANE Select); coding-DNA position 1394, C replaced by T.
Protein change: p.Ser465Leu; replaces serine 465 with leucine.
Molecular consequence: missense variant. On other transcripts: non-coding transcript variant (1).
Genome position (GRCh38, 1-based): chr10:63,214,773, G>A on the plus strand (C>T on the coding strand, the complement: JMJD1C is on the minus strand). VCF-style: chr10-63214773-G-A. GRCh37 (hg19) VCF-style: chr10-64974533-G-A.
Other names: c.848C>T, p.Ser283Leu (NM_001282948.2, NM_001318154.2); c.530C>T, p.Ser177Leu (NM_001318153.2); c.1280C>T, p.Ser427Leu (NM_001322252.2); c.737C>T, p.Ser246Leu (NM_001322254.2, NM_001322258.2); short protein forms S283L, S427L, S177L, S246L, S465L.
Identifiers: ClinVar variation 2044725 (VCV002044725.4), dbSNP rs754328604, ClinGen allele CA5518811.
Genomic context (GRCh38, chr10:63,214,773, plus strand): 5'-ATATTGCATTCCTGAGGAAGTAAATCATTAGAATTATGATCAGAAACTGTGGACTGTTCT[G>A]ACGAATGAATAATCATATCTTCTTGAAGCTGAGTGTCAACAGACTTCCGCTTCTCTGCTT-3'
Protein context (NP_116165.1, residues 455-475): QLQEDMIIHS[Ser465Leu]EQSTVSDHNS